The following is an entry in ClinVar:

NM_182706.5(SCRIB):c.907-4C>G

Gene: SCRIB (scribble planar cell polarity protein; minus strand). Cytogenetic location: 8q24.3.
Variant type: single nucleotide variant.
Coding change: c.907-4C>G on transcript NM_182706.5 (MANE Select); 4 bases into the intron before coding-DNA position 907, C replaced by G.
Molecular consequence: intron variant.
Genome position (GRCh38, 1-based): chr8:143,811,349, G>C on the plus strand (C>G on the coding strand, the complement: SCRIB is on the minus strand). VCF-style: chr8-143811349-G-C. GRCh37 (hg19) VCF-style: chr8-144893519-G-C.
Other names: c.907-4C>G (NM_015356.5).
Identifiers: ClinVar variation 3044184 (VCV003044184.2), dbSNP rs200867608, ClinGen allele CA848804158.

ClinVar aggregate classification (germline): Likely benign (0 of 4 stars; one submission).

Conditions:
SCRIB-related disorder. Also called: SCRIB-related condition.

gnomAD v4.1: 18 of 1,610,572 alleles (0.0011%); highest among the groups gnomAD compares: African/African-American, 0.004%; no homozygotes.

Submission:

PreventionGenetics, part of Exact Sciences
Classification: Likely benign for SCRIB-related condition. Last evaluated: 2019-06-05. Review status: no assertion criteria provided. Collection method: clinical testing. Allele origin: germline.
Comment: This variant is classified as likely benign based on ACMG/AMP sequence variant interpretation guidelines (Richards et al. 2015 PMID: 25741868, with internal and published modifications).